The following is an entry in ClinVar:

ClinVar aggregate classification (germline): Conflicting classifications of pathogenicity. Review status: criteria provided, conflicting classifications (1 of 4 stars). 2 submissions from 2 submitters: Uncertain significance (1); Likely benign (1). Last evaluated 2025-01-28.

Conditions:
Complex cortical dysplasia with other brain malformations 2. Identifiers: MedGen C3809013, MONDO:0014116, OMIM 615282.

Allele frequency attached by ClinVar (database versions not stated): gnomAD 0.00001; TOPMed 0.00001.
gnomAD v4.1: 3 of 1,577,228 alleles (0.00019%); highest among the groups gnomAD compares: Admixed American, 0.0037%; no homozygotes.

Submissions (2):

GeneDx
Classification: Uncertain significance. Last evaluated: 2025-01-28. Review status: criteria provided, single submitter. Criteria: GeneDx Variant Classification Process June 2021. Collection method: clinical testing. Allele origin: germline. Affected: yes.
Comment: Not observed at significant frequency in large population cohorts (gnomAD); In silico analysis indicates that this missense variant does not alter protein structure/function; Has not been previously published as pathogenic or benign to our knowledge

Suma Genomics
Classification: Likely benign for Complex cortical dysplasia with other brain malformations 2. Review status: criteria provided, single submitter. Criteria: ACMG Guidelines, 2015. Collection method: clinical testing. Allele origin: inherited. Inheritance: Autosomal dominant inheritance. Affected: yes.

NM_004522.3(KIF5C):c.1964G>A (p.Arg655Lys)

Gene: KIF5C (kinesin family member 5C; plus strand). Cytogenetic location: 2q23.1.
Variant type: single nucleotide variant.
Coding change: c.1964G>A on transcript NM_004522.3 (MANE Select); coding-DNA position 1964, G replaced by A.
Protein change: p.Arg655Lys; replaces arginine 655 with lysine.
Molecular consequence: missense variant. On other transcripts: non-coding transcript variant (1).
Genome position (GRCh38, 1-based): chr2:148,994,479, G>A. VCF-style: chr2-148994479-G-A. GRCh37 (hg19) VCF-style: chr2-149850993-G-A.
Other names: c.1964G>A (NM_004522.2); short protein forms R655K.
Identifiers: ClinVar variation 1341342 (VCV001341342.2), dbSNP rs954203955, ClinGen allele CA57591340.